The following is an entry in ClinVar:

ClinVar aggregate classification (germline): Uncertain significance. Review status: criteria provided, multiple submitters, no conflicts (2 of 4 stars). 2 submissions from 2 submitters: Uncertain significance (2). Last evaluated 2024-09-05.

Conditions:
Familial hemophagocytic lymphohistiocytosis 3 (FHL3). Also called: UNC13D-Related Familial Hemophagocytic Lymphohistiocytosis (UNC13D-fHLH). Identifiers: Orphanet 540, MedGen C1837174, MONDO:0012146, OMIM 608898.

Submissions (2):

Mayo Clinic Laboratories, Mayo Clinic
Classification: Uncertain significance. Last evaluated: 2024-09-05. Review status: criteria provided, single submitter. Criteria: ACMG Guidelines, 2015. Collection method: clinical testing. Allele origin: germline. Observed: 1 variant allele.
Comment: BP4, PM2

Labcorp Genetics (formerly Invitae), Labcorp
Classification: Uncertain significance for Familial hemophagocytic lymphohistiocytosis 3. Last evaluated: 2021-11-06. Review status: criteria provided, single submitter. Criteria: Invitae Variant Classification Sherloc (09022015). Collection method: clinical testing. Allele origin: germline.
Comment: This sequence change replaces arginine, which is basic and polar, with glycine, which is neutral and non-polar, at codon 24 of the UNC13D protein (p.Arg24Gly). This variant is present in population databases (no rsID available, gnomAD 0.003%). This variant has not been reported in the literature in individuals affected with UNC13D-related conditions. Algorithms developed to predict the effect of missense changes on protein structure and function are either unavailable or do not agree on the potential impact of this missense change (SIFT: "Not Available"; PolyPhen-2: "Benign"; Align-GVGD: "Not Available"). In summary, the available evidence is currently insufficient to determine the role of this variant in disease. Therefore, it has been classified as a Variant of Uncertain Significance.

NM_199242.3(UNC13D):c.70C>G (p.Arg24Gly)

Gene: UNC13D (unc-13 homolog D; minus strand). Cytogenetic location: 17q25.1.
Variant type: single nucleotide variant.
Coding change: c.70C>G on transcript NM_199242.3 (MANE Select); coding-DNA position 70, C replaced by G.
Protein change: p.Arg24Gly; replaces arginine 24 with glycine.
Molecular consequence: missense variant.
Genome position (GRCh38, 1-based): chr17:75,844,268, G>C on the plus strand (C>G on the coding strand, the complement: UNC13D is on the minus strand). VCF-style: chr17-75844268-G-C. GRCh37 (hg19) VCF-style: chr17-73840349-G-C.
Other names: p.Arg24Gly; c.70C>G (NM_199242.2); short protein forms R24G.
Identifiers: ClinVar variation 1432200 (VCV001432200.4), dbSNP rs749234163, ClinGen allele CA294091602.